The following is an entry in ClinVar:

ClinVar aggregate classification (germline): Uncertain significance (1 of 4 stars; one submission).

Conditions:
MHC class II deficiency. Also called: BLS, TYPE II; Bare lymphocyte syndrome 2. Identifiers: Orphanet 572, MedGen C5447452, MONDO:0008855.

Allele frequency attached by ClinVar (database versions not stated): gnomAD exomes below 0.00001.

Submission:

Labcorp Genetics (formerly Invitae), Labcorp
Classification: Uncertain significance for MHC class II deficiency. Last evaluated: 2022-04-16. Review status: criteria provided, single submitter. Criteria: Invitae Variant Classification Sherloc (09022015). Collection method: clinical testing. Allele origin: germline.
Comment: This variant has not been reported in the literature in individuals affected with RFX5-related conditions. This variant is present in population databases (no rsID available, gnomAD 0.006%). This sequence change replaces histidine, which is basic and polar, with arginine, which is basic and polar, at codon 608 of the RFX5 protein (p.His608Arg). Algorithms developed to predict the effect of missense changes on protein structure and function output the following: SIFT: "Tolerated"; PolyPhen-2: "Benign"; Align-GVGD: "Class C0". The arginine amino acid residue is found in multiple mammalian species, which suggests that this missense change does not adversely affect protein function. In summary, the available evidence is currently insufficient to determine the role of this variant in disease. Therefore, it has been classified as a Variant of Uncertain Significance.

NM_001025603.2(RFX5):c.1823A>G (p.His608Arg)

Gene: RFX5 (regulatory factor X5; minus strand). Cytogenetic location: 1q21.3.
Variant type: single nucleotide variant.
Coding change: c.1823A>G on transcript NM_001025603.2 (MANE Select); coding-DNA position 1823, A replaced by G.
Protein change: p.His608Arg; replaces histidine 608 with arginine.
Molecular consequence: missense variant.
Genome position (GRCh38, 1-based): chr1:151,342,214, T>C on the plus strand (A>G on the coding strand, the complement: RFX5 is on the minus strand). VCF-style: chr1-151342214-T-C. GRCh37 (hg19) VCF-style: chr1-151314690-T-C.
Other names: c.1823A>G, p.His608Arg (NM_000449.4, NM_001379412.1, NM_001379413.1 and 5 more transcripts); c.1703A>G, p.His568Arg (NM_001379419.1, NM_001379420.1); short protein forms H568R, H608R.
Identifiers: ClinVar variation 1475428 (VCV001475428.8), dbSNP rs1299164585, ClinGen allele CA341923138.